The following is an entry in ClinVar:

NM_000179.3(MSH6):c.3439-6dup

Gene: MSH6 (mutS homolog 6; plus strand). Cytogenetic location: 2p16.3.
Variant type: Duplication.
Coding change: c.3439-6dup on transcript NM_000179.3 (MANE Select); 6 bases into the intron before coding-DNA position 3439, one base duplicated (T; older notation c.3439-6dupT).
Molecular consequence: intron variant.
Genome position (GRCh38, 1-based): chr2:47,804,904, T duplicated; the last of 2 consecutive T bases (chr2:47,804,903-47,804,904); duplicating either gives the same sequence. VCF-style (leftmost placement, unchanged base first): chr2-47804902-A-AT. GRCh37 (hg19) VCF-style: chr2-48032041-A-AT.
Other names: c.3439-6dup (NM_001406809.1, NM_001406796.1, NM_001406808.1 and 1 more transcripts); c.2533-6dup (NM_001406811.1, NM_001406814.1, NM_001281493.2 and 6 more transcripts); c.3142-6dup (NM_001406805.1, NM_001406797.1, NM_001406801.1 and 10 more transcripts); c.3535-6dup (NM_001406795.1, NM_001406802.1); c.3445-6dup (NM_001406813.1); c.2914-6dup (NM_001406807.1, NM_001406799.1, NM_001406806.1); c.3265-6dup (NM_001406798.1); c.2575-6dup (NM_001406803.1); and 7 more.
Identifiers: ClinVar variation 3074490 (VCV003074490.1), dbSNP rs2530798302, ClinGen allele CA2825001126.

ClinVar aggregate classification (germline): Likely benign (1 of 4 stars; one submission).

Conditions:
Lynch syndrome. Identifiers: Orphanet 144, MedGen C4552100, MONDO:0005835. Disease mechanism: loss of function.

Submission:

All of Us Research Program, National Institutes of Health
Classification: Likely benign for Lynch syndrome. Last evaluated: 2023-11-20. Review status: criteria provided, single submitter. Criteria: ACMG Guidelines, 2015. Collection method: clinical testing. Allele origin: germline. Inheritance: Autosomal dominant inheritance. Observed: 1 variant allele, 1 heterozygote.
Comment: This study involves interpretation of variants in research participants for the purpose of population health screening. Participant phenotype was not available at the time of variant classification. Additional details can be found in publication PMID: 35346344, PMCID: PMC8962531